The following is an entry in ClinVar:

NM_001776.6(ENTPD1):c.599C>T (p.Pro200Leu)

Genes: ENTPD1 (ectonucleoside triphosphate diphosphohydrolase 1; plus strand), ENTPD1-AS1 (ENTPD1 antisense RNA 1; minus strand). Cytogenetic location: 10q24.1.
Variant type: single nucleotide variant.
Coding change: c.599C>T on transcript NM_001776.6 (MANE Select); coding-DNA position 599, C replaced by T.
Protein change: p.Pro200Leu; replaces proline 200 with leucine.
Molecular consequence: missense variant.
Genome position (GRCh38, 1-based): chr10:95,845,382, C>T. VCF-style: chr10-95845382-C-T. GRCh37 (hg19) VCF-style: chr10-97605139-C-T.
Other names: c.620C>T, p.Pro207Leu (NM_001098175.2); c.635C>T, p.Pro212Leu (NM_001164178.1, NM_001320916.1); c.599C>T, p.Pro200Leu (NM_001164179.2); c.275C>T, p.Pro92Leu (NM_001164181.1, NM_001312654.1); c.185C>T, p.Pro62Leu (NM_001164182.2, NM_001164183.2); short protein forms P62L, P212L, P92L, P200L, P207L.
Identifiers: ClinVar variation 1474607 (VCV001474607.3), dbSNP rs147932314, ClinGen allele CA5621440.

ClinVar aggregate classification (germline): Uncertain significance (1 of 4 stars; one submission).

Conditions:
Hereditary spastic paraplegia 64. Also called: Spastic paraplegia 64, autosomal recessive; ENTPD1-Related Neurodevelopmental Disorder. Identifiers: Orphanet 401810, MedGen C3810289, MONDO:0014303, OMIM 615683.

Allele frequency attached by ClinVar (database versions not stated): gnomAD 0.00001; gnomAD exomes 0.00001; TOPMed 0.00001; ESP Exome Variant Server 0.00008; ExAC 0.00001.
gnomAD v4.1: 4 of 1,614,070 alleles (0.00025%); highest among the groups gnomAD compares: Non-Finnish European, 0.00034%; no homozygotes.

Submission:

Labcorp Genetics (formerly Invitae), Labcorp
Classification: Uncertain significance for Hereditary spastic paraplegia 64. Last evaluated: 2022-08-23. Review status: criteria provided, single submitter. Criteria: Invitae Variant Classification Sherloc (09022015). Collection method: clinical testing. Allele origin: germline.
Comment: This sequence change replaces proline, which is neutral and non-polar, with leucine, which is neutral and non-polar, at codon 200 of the ENTPD1 protein (p.Pro200Leu). This variant is present in population databases (rs147932314, gnomAD 0.002%). This variant has not been reported in the literature in individuals affected with ENTPD1-related conditions. ClinVar contains an entry for this variant (Variation ID: 1474607). Algorithms developed to predict the effect of missense changes on protein structure and function output the following: SIFT: "Deleterious"; PolyPhen-2: "Benign"; Align-GVGD: "Class C0". The leucine amino acid residue is found in multiple mammalian species, which suggests that this missense change does not adversely affect protein function. In summary, the available evidence is currently insufficient to determine the role of this variant in disease. Therefore, it has been classified as a Variant of Uncertain Significance.